The following is an entry in ClinVar:

NM_001370466.1(NOD2):c.1141T>G (p.Phe381Val)

Gene: NOD2 (nucleotide binding oligomerization domain containing 2; plus strand). Cytogenetic location: 16q12.1.
Variant type: single nucleotide variant.
Coding change: c.1141T>G on transcript NM_001370466.1 (MANE Select); coding-DNA position 1141, T replaced by G.
Protein change: p.Phe381Val; replaces phenylalanine 381 with valine.
Molecular consequence: missense variant. On other transcripts: non-coding transcript variant (1).
Genome position (GRCh38, 1-based): chr16:50,711,133, T>G. VCF-style: chr16-50711133-T-G. GRCh37 (hg19) VCF-style: chr16-50745044-T-G.
Other names: c.1141T>G, p.Phe381Val (NM_001293557.2); c.1222T>G, p.Phe408Val (NM_022162.3); short protein forms F381V, F408V.
Identifiers: ClinVar variation 2954546 (VCV002954546.3), dbSNP rs2506405507, ClinGen allele CA395868477.

ClinVar aggregate classification (germline): Uncertain significance (1 of 4 stars; one submission).

Conditions:
Blau syndrome (BLAUS). Also called: GRANULOMATOSIS, FAMILIAL JUVENILE SYSTEMIC; GRANULOMATOSIS, FAMILIAL, BLAU TYPE; GRANULOMATOUS INFLAMMATORY ARTHRITIS, DERMATITIS, AND UVEITIS, FAMILIAL; JABS SYNDROME; ARTHROCUTANEOUVEAL GRANULOMATOSIS. Identifiers: Orphanet 90340, MedGen C5201146, MONDO:0008523, OMIM 186580.
Regional enteritis. Also called: Enteritis, Granulomatous. Identifiers: MedGen C0678202, MeSH D003424.

Submission:

Labcorp Genetics (formerly Invitae), Labcorp
Classification: Uncertain significance for Regional enteritis; Blau syndrome. Last evaluated: 2023-12-09. Review status: criteria provided, single submitter. Criteria: Invitae Variant Classification Sherloc (09022015). Collection method: clinical testing. Allele origin: germline.
Comment: This sequence change replaces phenylalanine, which is neutral and non-polar, with valine, which is neutral and non-polar, at codon 408 of the NOD2 protein (p.Phe408Val). This variant is not present in population databases (gnomAD no frequency). This variant has not been reported in the literature in individuals affected with NOD2-related conditions. Advanced modeling of protein sequence and biophysical properties (such as structural, functional, and spatial information, amino acid conservation, physicochemical variation, residue mobility, and thermodynamic stability) performed at Invitae indicates that this missense variant is not expected to disrupt NOD2 protein function with a negative predictive value of 95%. In summary, the available evidence is currently insufficient to determine the role of this variant in disease. Therefore, it has been classified as a Variant of Uncertain Significance.